The following is an entry in ClinVar:

ClinVar aggregate classification (germline): Likely pathogenic. Review status: reviewed by expert panel (3 of 4 stars). 4 submissions from 4 submitters: Likely pathogenic (1). 3 of the submissions do not count toward it. Last evaluated 2024-09-06.

Conditions:
Phenylketonuria (PKU). Also called: Phenylketonuria (PKU); FOLLING DISEASE; OLIGOPHRENIA PHENYLPYRUVICA; Phenylketonurias. Identifiers: Orphanet 716, MedGen C0031485, MONDO:0009861, OMIM 261600. Disease mechanism: loss of function.

Allele frequency attached by ClinVar (database versions not stated): TOPMed below 0.00001; ExAC 0.00001; gnomAD exomes below 0.00001; gnomAD 0.00001; ESP Exome Variant Server 0.00008.
gnomAD v4.1: 2 of 1,614,008 alleles (0.00012%); highest among the groups gnomAD compares: Non-Finnish European, 0.00017%; no homozygotes.

Submissions (4):

ClinGen PAH Variant Curation Expert Panel
Classification: Likely pathogenic for Phenylketonuria. Last evaluated: 2024-09-06. Review status: reviewed by expert panel. Criteria: ClinGen PAH ACMG Specifications v1. Collection method: curation. Allele origin: germline. Inheritance: Autosomal recessive inheritance.
Comment: The c.737C>T (p.Ala246Val) variant in PAH is a missense variant that is predicted damaging by REVEL (REVEL score 0.932) (PP3_Moderate). has been reported in multiple patients with PAH deficiency (BH4 deficiency excluded in one patient) (PMID: 9634518, 10394930, 12655553, 30747360, 32668217), including in one patient in unknown phase with the known pathogenic variant p.Arg408Trp (ClinVar ID: 577) (PM3_Supporting). The maximum population allele frequency in gnomAD v2.1.1 is 0.000008808, under the 0.0002 cutoff for use of PM2 (PM2_Supporting). In summary, this variant meets criteria to be classified as likely pathogenic for phenylketonuria in an autosomal recessive manner based on the ACMG/AMP criteria applied as specified by the PAH Expert Panel: PM2_Supporting, PM3_Supporting, PP3_Moderate, PP4_Moderate.

Natera, Inc.
Classification: Likely pathogenic for Phenylketonuria. Last evaluated: 2025-05-13. Review status: no assertion criteria provided. Collection method: clinical testing. Allele origin: germline. Not counted in ClinVar's aggregate classification.

Counsyl
Classification: Uncertain significance for Phenylketonuria. Last evaluated: 2018-03-05. Review status: no assertion criteria provided. Collection method: clinical testing. Allele origin: unknown. Not counted in ClinVar's aggregate classification.

DeBelle Laboratory for Biochemical Genetics, MUHC/MCH RESEARCH INSTITUTE
No classification provided. Review status: no classification provided. Collection method: not provided. Allele origin: not provided. Not counted in ClinVar's aggregate classification.

Literature cited by the submitters: PubMed 12655553 (cited by Counsyl); PubMed 23357515 (cited by Counsyl); PubMed 17924342 (cited by Counsyl); PubMed 9634518 (cited by Counsyl); PubMed 10394930 (cited by Counsyl).

NM_000277.3(PAH):c.737C>T (p.Ala246Val)

Gene: PAH (phenylalanine hydroxylase; minus strand). Cytogenetic location: 12q23.2.
Variant type: single nucleotide variant.
Coding change: c.737C>T on transcript NM_000277.3 (MANE Select); coding-DNA position 737, C replaced by T.
Protein change: p.Ala246Val; replaces alanine 246 with valine.
Molecular consequence: missense variant.
Genome position (GRCh38, 1-based): chr12:102,852,920, G>A on the plus strand (C>T on the coding strand, the complement: PAH is on the minus strand). VCF-style: chr12-102852920-G-A. GRCh37 (hg19) VCF-style: chr12-103246698-G-A.
Other names: NM_000277.2(PAH):c.737C>T; p.Ala246Val; c.737C>T, p.Ala246Val (NM_001354304.2); c.737C>T (NM_000277.2); short protein forms A246V.
Identifiers: ClinVar variation 102813 (VCV000102813.5), dbSNP rs199475610, ClinGen allele CA229727.